The following is an entry in ClinVar:

ClinVar aggregate classification (germline): Uncertain significance (1 of 4 stars; one submission).

Conditions:
Hereditary cancer-predisposing syndrome. Also called: Hereditary neoplastic syndrome; Neoplastic Syndromes, Hereditary; Tumor predisposition; Hereditary Cancer Syndrome. Identifiers: Orphanet 140162, MedGen C0027672, MeSH D009386, MONDO:0015356.

Submission:

Ambry Genetics
Classification: Uncertain significance for Hereditary cancer-predisposing syndrome. Last evaluated: 2025-08-27. Review status: criteria provided, single submitter. Criteria: Ambry Variant Classification Scheme 2023. Collection method: clinical testing. Allele origin: germline.
Comment: The p.S99C variant (also known as c.295A>T), located in coding exon 3 of the MUTYH gene, results from an A to T substitution at nucleotide position 295. The serine at codon 99 is replaced by cysteine, an amino acid with dissimilar properties. This amino acid position is conserved. In addition, the in silico prediction for this alteration is inconclusive. Based on the available evidence, the clinical significance of this variant remains unclear.

NM_001048174.2(MUTYH):c.211A>T (p.Ser71Cys)

Gene: MUTYH (mutY DNA glycosylase; minus strand). Cytogenetic location: 1p34.1.
Variant type: single nucleotide variant.
Coding change: c.211A>T on transcript NM_001048174.2 (MANE Select); coding-DNA position 211, A replaced by T.
Protein change: p.Ser71Cys; replaces serine 71 with cysteine.
Molecular consequence: missense variant. On other transcripts: 5 prime UTR variant (6), non-coding transcript variant (7).
Genome position (GRCh38, 1-based): chr1:45,333,466, T>A on the plus strand (A>T on the coding strand, the complement: MUTYH is on the minus strand). VCF-style: chr1-45333466-T-A. GRCh37 (hg19) VCF-style: chr1-45799138-T-A.
Other names: c.211A>T, p.Ser71Cys (NM_001048171.2, NM_001048173.2, NM_001293195.2 and 6 more transcripts); c.214A>T, p.Ser72Cys (NM_001048172.2, NM_001407071.1, NM_001407078.1 and 2 more transcripts); c.295A>T, p.Ser99Cys (NM_001128425.2); c.256A>T, p.Ser86Cys (NM_001293190.2); c.244A>T, p.Ser82Cys (NM_001293191.2, NM_001407077.1); c.-66A>T (NM_001293192.2, NM_001293196.2, NM_001407091.1); c.-61A>T (NM_001350650.2, NM_001350651.2, NM_001407082.1); c.286A>T, p.Ser96Cys (NM_001407069.1, NM_012222.3); and 3 more; short protein forms S82C, S96C, S43C, S72C, S86C, S78C, S85C, S71C.
Identifiers: ClinVar variation 4113586 (VCV004113586.1).